The following is an entry in ClinVar:

ClinVar aggregate classification (germline): Uncertain significance. Review status: criteria provided, multiple submitters, no conflicts (2 of 4 stars). 2 submissions from 2 submitters: Uncertain significance (2). Last evaluated 2025-04-03.

Conditions:
Inborn genetic diseases. Identifiers: MedGen C0950123, MeSH D030342.

Allele frequency attached by ClinVar (database versions not stated): gnomAD exomes 0.00008 and 0.00002; gnomAD 0.00003; TOPMed 0.00004; ExAC 0.00005.
gnomAD v4.1: 33 of 1,611,574 alleles (0.002%); highest among the groups gnomAD compares: Admixed American, 0.04%; no homozygotes.

Submissions (2):

Ambry Genetics
Classification: Uncertain significance for Inborn genetic diseases. Last evaluated: 2025-04-03. Review status: criteria provided, single submitter. Criteria: Ambry Variant Classification Scheme 2023. Collection method: clinical testing. Allele origin: germline.

Labcorp Genetics (formerly Invitae), Labcorp
Classification: Uncertain significance. Last evaluated: 2024-11-28. Review status: criteria provided, single submitter. Criteria: Invitae Variant Classification Sherloc (09022015). Collection method: clinical testing. Allele origin: germline.
Comment: This sequence change replaces leucine, which is neutral and non-polar, with phenylalanine, which is neutral and non-polar, at codon 1988 of the RTTN protein (p.Leu1988Phe). This variant is present in population databases (rs769662761, gnomAD 0.05%). This variant has not been reported in the literature in individuals affected with RTTN-related conditions. ClinVar contains an entry for this variant (Variation ID: 1365255). Invitae Evidence Modeling of protein sequence and biophysical properties (such as structural, functional, and spatial information, amino acid conservation, physicochemical variation, residue mobility, and thermodynamic stability) indicates that this missense variant is not expected to disrupt RTTN protein function with a negative predictive value of 80%. In summary, the available evidence is currently insufficient to determine the role of this variant in disease. Therefore, it has been classified as a Variant of Uncertain Significance.

NM_173630.4(RTTN):c.5962C>T (p.Leu1988Phe)

Gene: RTTN (rotatin; minus strand). Cytogenetic location: 18q22.2.
Variant type: single nucleotide variant.
Coding change: c.5962C>T on transcript NM_173630.4 (MANE Select); coding-DNA position 5962, C replaced by T.
Protein change: p.Leu1988Phe; replaces leucine 1988 with phenylalanine.
Molecular consequence: missense variant.
Genome position (GRCh38, 1-based): chr18:70,020,806, G>A on the plus strand (C>T on the coding strand, the complement: RTTN is on the minus strand). VCF-style: chr18-70020806-G-A. GRCh37 (hg19) VCF-style: chr18-67688042-G-A.
Other names: c.3226C>T, p.Leu1076Phe (NM_001318520.2); c.5962C>T (NM_173630.3); short protein forms L1988F, L1076F.
Identifiers: ClinVar variation 1365255 (VCV001365255.9), dbSNP rs769662761, ClinGen allele CA8994793.